The following is an entry in ClinVar:

ClinVar aggregate classification (germline): Uncertain significance. Review status: criteria provided, multiple submitters, no conflicts (2 of 4 stars). 2 submissions from 2 submitters: Uncertain significance (2). Last evaluated 2025-02-26.

Conditions:
RP1-related disorder. Also called: RP1-related condition.

Allele frequency attached by ClinVar (database versions not stated): gnomAD exomes below 0.00001 and 0.00001; ExAC 0.00001; gnomAD 0.00001; TOPMed 0.00001.
gnomAD v4.1: 9 of 1,612,612 alleles (0.00056%); highest among the groups gnomAD compares: South Asian, 0.0011%; no homozygotes.

Submissions (2):

PreventionGenetics, part of Exact Sciences
Classification: Uncertain significance for RP1-related condition. Last evaluated: 2025-02-26. Review status: criteria provided, single submitter. Criteria: ACMG Guidelines, 2015. Collection method: clinical testing. Allele origin: germline.
Comment: The RP1 c.404C>T variant is predicted to result in the amino acid substitution p.Ala135Val. To our knowledge, this variant has not been reported in the literature. This variant is reported in 0.00092% of alleles in individuals of European (Non-Finnish) descent in gnomAD. At this time, the clinical significance of this variant is uncertain due to the absence of conclusive functional and genetic evidence.

Labcorp Genetics (formerly Invitae), Labcorp
Classification: Uncertain significance. Last evaluated: 2022-02-05. Review status: criteria provided, single submitter. Criteria: Invitae Variant Classification Sherloc (09022015). Collection method: clinical testing. Allele origin: germline.
Comment: This sequence change replaces alanine, which is neutral and non-polar, with valine, which is neutral and non-polar, at codon 135 of the RP1 protein (p.Ala135Val). In summary, the available evidence is currently insufficient to determine the role of this variant in disease. Therefore, it has been classified as a Variant of Uncertain Significance. Algorithms developed to predict the effect of missense changes on protein structure and function output the following: SIFT: "Tolerated"; PolyPhen-2: "Benign"; Align-GVGD: "Class C0". The valine amino acid residue is found in multiple mammalian species, which suggests that this missense change does not adversely affect protein function. ClinVar contains an entry for this variant (Variation ID: 862586). This variant has not been reported in the literature in individuals affected with RP1-related conditions. This variant is present in population databases (rs777510553, gnomAD 0.0009%).

NM_006269.2(RP1):c.404C>T (p.Ala135Val)

Gene: RP1 (RP1 axonemal microtubule associated; plus strand). Cytogenetic location: 8q12.1.
Variant type: single nucleotide variant.
Coding change: c.404C>T on transcript NM_006269.2 (MANE Select); coding-DNA position 404, C replaced by T.
Protein change: p.Ala135Val; replaces alanine 135 with valine.
Molecular consequence: missense variant.
Genome position (GRCh38, 1-based): chr8:54,621,370, C>T. VCF-style: chr8-54621370-C-T. GRCh37 (hg19) VCF-style: chr8-55533930-C-T.
Other names: c.404C>T, p.Ala135Val (NM_001375654.1); short protein forms A135V.
Identifiers: ClinVar variation 862586 (VCV000862586.10), dbSNP rs777510553, ClinGen allele CA4751145.